The following is an entry in ClinVar:

ClinVar aggregate classification (germline): Uncertain significance (1 of 4 stars; one submission).

Conditions:
Alagille syndrome due to a JAG1 point mutation. Also called: HEPATIC DUCTULAR HYPOPLASIA, SYNDROMATIC; Alagille Syndrome 1; JAG1-Related Alagille Syndrome. Identifiers: Orphanet 261619, Orphanet 52, MedGen C1956125, MONDO:0016862, OMIM 118450.

Submission:

Labcorp Genetics (formerly Invitae), Labcorp
Classification: Uncertain significance for Alagille syndrome due to a JAG1 point mutation. Last evaluated: 2021-08-18. Review status: criteria provided, single submitter. Criteria: Invitae Variant Classification Sherloc (09022015). Collection method: clinical testing. Allele origin: germline.
Comment: In summary, the available evidence is currently insufficient to determine the role of this variant in disease. Therefore, it has been classified as a Variant of Uncertain Significance. Advanced modeling of protein sequence and biophysical properties (such as structural, functional, and spatial information, amino acid conservation, physicochemical variation, residue mobility, and thermodynamic stability) performed at Invitae indicates that this missense variant is not expected to disrupt JAG1 protein function. This variant has not been reported in the literature in individuals affected with JAG1-related conditions. This variant is not present in population databases (ExAC no frequency). This sequence change replaces valine with methionine at codon 933 of the JAG1 protein (p.Val933Met). The valine residue is highly conserved and there is a small physicochemical difference between valine and methionine.

NM_000214.3(JAG1):c.2797G>A (p.Val933Met)

Gene: JAG1 (jagged canonical Notch ligand 1; minus strand). Cytogenetic location: 20p12.2.
Variant type: single nucleotide variant.
Coding change: c.2797G>A on transcript NM_000214.3 (MANE Select); coding-DNA position 2797, G replaced by A.
Protein change: p.Val933Met; replaces valine 933 with methionine.
Molecular consequence: missense variant.
Genome position (GRCh38, 1-based): chr20:10,641,579, C>T on the plus strand (G>A on the coding strand, the complement: JAG1 is on the minus strand). VCF-style: chr20-10641579-C-T. GRCh37 (hg19) VCF-style: chr20-10622227-C-T.
Other names: short protein forms V933M.
Identifiers: ClinVar variation 1376021 (VCV001376021.6), dbSNP rs2122596605, ClinGen allele CA408244952.